The following is an entry in ClinVar:

ClinVar aggregate classification (germline): Likely benign. Review status: criteria provided, single submitter (1 of 4 stars). 2 submissions from 2 submitters: Likely benign (1). 1 of the submissions does not count toward it. Last evaluated 2026-01-04.

Conditions:
ACBD5-related disorder. Also called: ACBD5-related condition.

Allele frequency attached by ClinVar (database versions not stated): gnomAD exomes 0.00007 and 0.00021; ExAC 0.00027; ESP Exome Variant Server 0.00046; 1000 Genomes Project 0.00060; gnomAD 0.00064 and 0.00071; 1000 Genomes Project 30x 0.00078; TOPMed 0.00087.
gnomAD v4.1: 210 of 1,614,058 alleles (0.013%); highest among the groups gnomAD compares: African/African-American, 0.23%; no homozygotes.

Submissions (2):

Labcorp Genetics (formerly Invitae), Labcorp
Classification: Likely benign. Last evaluated: 2026-01-04. Review status: criteria provided, single submitter. Criteria: Invitae Variant Classification Sherloc (09022015). Collection method: clinical testing. Allele origin: germline.

PreventionGenetics, part of Exact Sciences
Classification: Likely benign for ACBD5-related condition. Last evaluated: 2024-03-12. Review status: no assertion criteria provided. Collection method: clinical testing. Allele origin: germline. Not counted in ClinVar's aggregate classification.
Comment: This variant is classified as likely benign based on ACMG/AMP sequence variant interpretation guidelines (Richards et al. 2015 PMID: 25741868, with internal and published modifications).

NM_145698.5(ACBD5):c.1234A>C (p.Thr412Pro)

Gene: ACBD5 (acyl-CoA binding domain containing 5; minus strand). Cytogenetic location: 10p12.1.
Variant type: single nucleotide variant.
Coding change: c.1234A>C on transcript NM_145698.5 (MANE Select); coding-DNA position 1234, A replaced by C.
Protein change: p.Thr412Pro; replaces threonine 412 with proline.
Molecular consequence: missense variant.
Genome position (GRCh38, 1-based): chr10:27,208,416, T>G on the plus strand (A>C on the coding strand, the complement: ACBD5 is on the minus strand). VCF-style: chr10-27208416-T-G. GRCh37 (hg19) VCF-style: chr10-27497345-T-G.
Other names: c.1129A>C, p.Thr377Pro (NM_001042473.4, NM_001352577.2, NM_001352578.2 and 1 more transcripts); c.1228A>C, p.Thr410Pro (NM_001271512.3); c.907A>C, p.Thr303Pro (NM_001301251.2, NM_001301252.2, NM_001301253.2 and 2 more transcripts); c.703A>C, p.Thr235Pro (NM_001301254.2); c.1288A>C, p.Thr430Pro (NM_001352568.1); c.1267A>C, p.Thr423Pro (NM_001352569.1); c.1234A>C, p.Thr412Pro (NM_001352570.1); c.1261A>C, p.Thr421Pro (NM_001352571.1); and 11 more; short protein forms T235P, T303P, T309P, T314P, T342P, T344P, T353P, T355P.
Identifiers: ClinVar variation 1113765 (VCV001113765.10), dbSNP rs147305464, ClinGen allele CA5450694.